The following is an entry in ClinVar:

NM_001999.4(FBN2):c.3217+13G>C

Genes: FBN2 (fibrillin 2; minus strand), LOC126807501 (BRD4-independent group 4 enhancer GRCh37_chr5:127680731-127681930; plus strand). Cytogenetic location: 5q23.3.
Variant type: single nucleotide variant.
Coding change: c.3217+13G>C on transcript NM_001999.4 (MANE Select); 13 bases into the intron after coding-DNA position 3217, G replaced by C.
Molecular consequence: intron variant.
Genome position (GRCh38, 1-based): chr5:128,345,344, C>G on the plus strand (G>C on the coding strand, the complement: FBN2 is on the minus strand). VCF-style: chr5-128345344-C-G. GRCh37 (hg19) VCF-style: chr5-127681036-C-G.
Identifiers: ClinVar variation 680454 (VCV000680454.9), dbSNP rs572013507, ClinGen allele CA3395306.

ClinVar aggregate classification (germline): Likely benign. Review status: criteria provided, multiple submitters, no conflicts (2 of 4 stars). 2 submissions from 2 submitters: Likely benign (2). Last evaluated 2025-10-27.

Conditions:
Congenital contractural arachnodactyly (CCA). Also called: BEALS SYNDROME; Arthrogryposis, distal, type 9; Beals-Hecht syndrome. Identifiers: Orphanet 115, MedGen C0220668, MONDO:0007363, OMIM 121050.

Allele frequency attached by ClinVar (database versions not stated): TOPMed 0.00001.
gnomAD v4.1: 5 of 1,608,074 alleles (0.00031%); highest among the groups gnomAD compares: Non-Finnish European, 0.00043%; no homozygotes.

Submissions (2):

Labcorp Genetics (formerly Invitae), Labcorp
Classification: Likely benign for Congenital contractural arachnodactyly. Last evaluated: 2025-10-27. Review status: criteria provided, single submitter. Criteria: Invitae Variant Classification Sherloc (09022015). Collection method: clinical testing. Allele origin: germline.

GeneDx
Classification: Likely benign. Last evaluated: 2018-03-19. Review status: criteria provided, single submitter. Criteria: GeneDx Variant Classification (06012015). Collection method: clinical testing. Allele origin: germline. Affected: yes.
Comment: This variant is considered likely benign or benign based on one or more of the following criteria: it is a conservative change, it occurs at a poorly conserved position in the protein, it is predicted to be benign by multiple in silico algorithms, and/or has population frequency not consistent with disease.